The following is an entry in ClinVar:

NM_001367624.2(ZNF469):c.3466G>C (p.Glu1156Gln)

Gene: ZNF469 (zinc finger protein 469; plus strand). Cytogenetic location: 16q24.2.
Variant type: single nucleotide variant.
Coding change: c.3466G>C on transcript NM_001367624.2 (MANE Select); coding-DNA position 3466, G replaced by C.
Protein change: p.Glu1156Gln; replaces glutamic acid 1156 with glutamine.
Molecular consequence: missense variant.
Genome position (GRCh38, 1-based): chr16:88,430,936, G>C. VCF-style: chr16-88430936-G-C. GRCh37 (hg19) VCF-style: chr16-88497344-G-C.
Other names: short protein forms E1156Q.
Identifiers: ClinVar variation 3621411 (VCV003621411.2).

ClinVar aggregate classification (germline): Uncertain significance (1 of 4 stars; one submission).

gnomAD v4.1: 2 of 1,535,854 alleles (0.00013%); highest among the groups gnomAD compares: African/African-American, 0.0027%; no homozygotes.

Submission:

Labcorp Genetics (formerly Invitae), Labcorp
Classification: Uncertain significance. Last evaluated: 2024-12-18. Review status: criteria provided, single submitter. Criteria: Invitae Variant Classification Sherloc (09022015). Collection method: clinical testing. Allele origin: germline.
Comment: This sequence change replaces glutamic acid, which is acidic and polar, with glutamine, which is neutral and polar, at codon 1128 of the ZNF469 protein (p.Glu1128Gln). This variant is present in population databases (no rsID available, gnomAD 0.02%). This variant has not been reported in the literature in individuals affected with ZNF469-related conditions. An algorithm developed to predict the effect of missense changes on protein structure and function (PolyPhen-2) suggests that this variant is likely to be tolerated. In summary, the available evidence is currently insufficient to determine the role of this variant in disease. Therefore, it has been classified as a Variant of Uncertain Significance.